The following is an entry in ClinVar:

ClinVar aggregate classification (germline): other (0 of 4 stars; one submission).

Conditions:
Familial colorectal cancer. Identifiers: MedGen CN280943, MONDO:0023113. Disease mechanism: loss of function.

Submission:

Systems Biology Platform Zhejiang California International NanoSystems Institute
Classification: other for Familial colorectal cancer. Review status: no assertion criteria provided. Collection method: not provided. Allele origin: unknown.
ClinVar note: Converted during submission from cancer to other.

NM_000038.6(APC):c.531+1622T>A

Gene: APC (APC regulator of WNT signaling pathway; plus strand). Cytogenetic location: 5q22.2.
Variant type: single nucleotide variant.
Coding change: c.531+1622T>A on transcript NM_000038.6 (MANE Select); 1622 bases into the intron after coding-DNA position 531, T replaced by A.
Molecular consequence: intron variant.
Genome position (GRCh38, 1-based): chr5:112,777,359, T>A. VCF-style: chr5-112777359-T-A. GRCh37 (hg19) VCF-style: chr5-112113056-T-A.
Other names: c.531+1622T>A (NM_001354895.2, NM_001127510.3, NM_001354896.2 and 2 more transcripts); c.561+1622T>A (NM_001354897.2, NM_001354902.2, NM_001127511.3); c.456+1622T>A (NM_001354898.2, NM_001354904.2); c.-505+1622T>A (NM_001354906.2); c.354+1622T>A (NM_001354900.2, NM_001354901.2, NM_001354905.2).
Identifiers: ClinVar variation 82428 (VCV000082428.2), dbSNP rs75107583, ClinGen allele CA010121.